The following is an entry in ClinVar:

NM_001127208.3(TET2):c.2614G>A (p.Val872Met)

Genes: TET2 (tet methylcytosine dioxygenase 2; plus strand), TET2-AS1 (TET2 antisense RNA 1; minus strand). Cytogenetic location: 4q24.
Variant type: single nucleotide variant.
Coding change: c.2614G>A on transcript NM_001127208.3 (MANE Select); coding-DNA position 2614, G replaced by A.
Protein change: p.Val872Met; replaces valine 872 with methionine.
Molecular consequence: missense variant.
Genome position (GRCh38, 1-based): chr4:105,236,556, G>A. VCF-style: chr4-105236556-G-A. GRCh37 (hg19) VCF-style: chr4-106157713-G-A.
Other names: c.2614G>A, p.Val872Met (NM_017628.4); short protein forms V872M.
Identifiers: ClinVar variation 4594128 (VCV004594128.1).
Genomic context (GRCh38, chr4:105,236,556, plus strand): 5'-GAACTTTTTGCAGGAAACAAGACCCAAAACTTGCATCACATGCAATATTTTCCAAATAAT[G>A]TGATCCCAAAGCAAGATCTTCTTCACAGGTGCTTTCAAGAACAGGAGCAGAAGTCACAAC-3'
Protein context (NP_001120680.1, residues 862-882): LHHMQYFPNN[Val872Met]IPKQDLLHRC

ClinVar aggregate classification (germline): Uncertain significance (1 of 4 stars; one submission).

gnomAD v4.1: 2 of 1,614,042 alleles (0.00012%); highest among the groups gnomAD compares: Non-Finnish European, 0.00017%; no homozygotes.

Submission:

Ambry Genetics
Classification: Uncertain significance. Last evaluated: 2025-09-26. Review status: criteria provided, single submitter. Criteria: Ambry Variant Classification Scheme 2023. Collection method: clinical testing. Allele origin: germline.
Comment: The p.V872M variant (also known as c.2614G>A), located in coding exon 1 of the TET2 gene, results from a G to A substitution at nucleotide position 2614. The valine at codon 872 is replaced by methionine, an amino acid with highly similar properties. This amino acid position is conserved. In addition, this alteration is predicted to be tolerated by in silico analysis. Based on the available evidence, the clinical significance of this variant remains unclear.